The following is an entry in ClinVar:

NM_147686.4(TRAF3IP2):c.1507A>G (p.Met503Val)

Genes: TRAF3IP2 (TRAF3 interacting protein 2; minus strand), TRAF3IP2-AS1 (TRAF3IP2 antisense RNA 1; plus strand). Cytogenetic location: 6q21.
Variant type: single nucleotide variant.
Coding change: c.1507A>G on transcript NM_147686.4 (MANE Select); coding-DNA position 1507, A replaced by G.
Protein change: p.Met503Val; replaces methionine 503 with valine.
Molecular consequence: missense variant.
Genome position (GRCh38, 1-based): chr6:111,563,009, T>C on the plus strand (A>G on the coding strand, the complement: TRAF3IP2 is on the minus strand). VCF-style: chr6-111563009-T-C. GRCh37 (hg19) VCF-style: chr6-111884212-T-C.
Other names: c.1504A>G, p.Met502Val (NM_001164281.3); c.139A>G, p.Met47Val (NM_001164283.3); c.1534A>G, p.Met512Val (NM_147200.3); short protein forms M502V, M47V, M503V, M512V.
Identifiers: ClinVar variation 858701 (VCV000858701.7), dbSNP rs1053340006, ClinGen allele CA145269842.

ClinVar aggregate classification (germline): Uncertain significance (1 of 4 stars; one submission).

Conditions:
Candidiasis, familial, 8 (CANDF8). Identifiers: Orphanet 1334, MedGen C3714992, MONDO:0014230, OMIM 615527.

Allele frequency attached by ClinVar (database versions not stated): gnomAD exomes below 0.00001; gnomAD 0.00001; TOPMed 0.00001.
gnomAD v4.1: 4 of 1,613,212 alleles (0.00025%); highest among the groups gnomAD compares: African/African-American, 0.0053%; no homozygotes.

Submission:

Labcorp Genetics (formerly Invitae), Labcorp
Classification: Uncertain significance for Candidiasis, familial, 8. Last evaluated: 2019-08-06. Review status: criteria provided, single submitter. Criteria: Invitae Variant Classification Sherloc (09022015). Collection method: clinical testing. Allele origin: germline.
Comment: In summary, the available evidence is currently insufficient to determine the role of this variant in disease. Therefore, it has been classified as a Variant of Uncertain Significance. Algorithms developed to predict the effect of missense changes on protein structure and function are either unavailable or do not agree on the potential impact of this missense change (SIFT: "Tolerated"; PolyPhen-2: "Probably Damaging"; Align-GVGD: "Class C0"). This variant has not been reported in the literature in individuals with TRAF3IP2-related conditions. This variant is not present in population databases (ExAC no frequency). This sequence change replaces methionine with valine at codon 503 of the TRAF3IP2 protein (p.Met503Val). The methionine residue is moderately conserved and there is a small physicochemical difference between methionine and valine.